The following is an entry in ClinVar:

ClinVar aggregate classification (germline): Uncertain significance (1 of 4 stars; one submission).

Submission:

Women's Health and Genetics/Laboratory Corporation of America, LabCorp
Classification: Uncertain significance. Last evaluated: 2024-09-05. Review status: criteria provided, single submitter. Criteria: LabCorp Variant Classification Summary - May 2015. Collection method: clinical testing. Allele origin: germline.
Comment: Variant summary: The variant involves the duplication of exons 4-22 in the CFTR gene. A presumed nomenclature of c.(273+1_274-1)_(3717+1_3718-1)dup has been designated for the purposes of this classification. It is assumed to be a tandem duplication in direct orientation (PMIDs: 25640679, 30054569). This Copy Number Variant (CNV) is predicted to result in an in-frame duplication within this gene. The variant was absent in 21674 control chromosomes. The available data on variant occurrences in the general population are insufficient to allow any conclusion about variant significance. To our knowledge, no occurrence of c.(273+1_274-1)_(3717+1_3718-1)dup in individuals affected with Cystic Fibrosis and no experimental evidence demonstrating its impact on protein function have been reported. No submitters have cited clinical-significance assessments for this variant to ClinVar. Based on the evidence outlined above, the variant was classified as uncertain significance.

NC_000007.13:g.(117149197_117170952)_(117267825_117282491)dup

Gene: CFTR (CF transmembrane conductance regulator; plus strand). Cytogenetic location: 7q31.2.
Variant type: Duplication.
Identifiers: ClinVar variation 3375034 (VCV003375034.1).